The following is an entry in ClinVar:

ClinVar aggregate classification (germline): Uncertain significance (1 of 4 stars; one submission).

Conditions:
Cognitive impairment - coarse facies - heart defects - obesity - pulmonary involvement - short stature - skeletal dysplasia syndrome. Also called: AFF4-Related CHOPS Syndrome; COGNITIVE IMPAIRMENT, COARSE FACIES, HEART DEFECTS, OBESITY, PULMONARY INVOLVEMENT, SHORT STATURE, AND SKELETAL DYSPLASIA; Chops syndrome. Identifiers: Orphanet 444077, MedGen C4085597, MONDO:0014609, OMIM 616368.

Submission:

Laboratorio de Genetica e Diagnostico Molecular, Hospital Israelita Albert Einstein
Classification: Uncertain significance for Cognitive impairment - coarse facies - heart defects - obesity - pulmonary involvement - short stature - skeletal dysplasia syndrome. Last evaluated: 2025-03-17. Review status: criteria provided, single submitter. Criteria: ACMG Guidelines, 2015. Collection method: clinical testing. Allele origin: germline. Affected: yes.
Comment: ACMG classification criteria: PM2 supporting, PP2 supporting

NM_014423.4(AFF4):c.1325C>T (p.Ser442Leu)

Gene: AFF4 (ALF transcription elongation factor 4; minus strand). Cytogenetic location: 5q31.1.
Variant type: single nucleotide variant.
Coding change: c.1325C>T on transcript NM_014423.4 (MANE Select); coding-DNA position 1325, C replaced by T.
Protein change: p.Ser442Leu; replaces serine 442 with leucine.
Molecular consequence: missense variant.
Genome position (GRCh38, 1-based): chr5:132,898,294, G>A on the plus strand (C>T on the coding strand, the complement: AFF4 is on the minus strand). VCF-style: chr5-132898294-G-A. GRCh37 (hg19) VCF-style: chr5-132233986-G-A.
Other names: short protein forms S442L.
Identifiers: ClinVar variation 3901000 (VCV003901000.1).
Genomic context (GRCh38, chr5:132,898,294, plus strand): 5'-GGAGATGCACTCTGGGATGGCTCATTTGCCTCACTGTCACTGGAACTACTTTCACTCTCT[G>A]AGTCAGATCCAGAGCTGCTTTCAGATCCACTGTGGCTACTAGAATCATCCCTGGAGTTAT-3'
Protein context (NP_055238.1, residues 432-452): SGSESSSGSD[Ser442Leu]ESESSSSDSE